The following is an entry in ClinVar:

NM_001365536.1(SCN9A):c.4072C>T (p.Arg1358Trp)

Genes: SCN1A-AS1 (SCN1A and SCN9A antisense RNA 1; plus strand), SCN9A (sodium voltage-gated channel alpha subunit 9; minus strand). Cytogenetic location: 2q24.3.
Variant type: single nucleotide variant.
Coding change: c.4072C>T on transcript NM_001365536.1 (MANE Select); coding-DNA position 4072, C replaced by T.
Protein change: p.Arg1358Trp; replaces arginine 1358 with tryptophan.
Molecular consequence: missense variant.
Genome position (GRCh38, 1-based): chr2:166,228,825, G>A on the plus strand (C>T on the coding strand, the complement: SCN9A is on the minus strand). VCF-style: chr2-166228825-G-A. GRCh37 (hg19) VCF-style: chr2-167085335-G-A.
Other names: c.4039C>T, p.Arg1347Trp (NM_002977.4); short protein forms R1347W, R1358W.
Identifiers: ClinVar variation 2934575 (VCV002934575.3), dbSNP rs1463389142, ClinGen allele CA349063786.
Genomic context (GRCh38, chr2:166,228,825, plus strand): 5'-GACTAACATTCATAAGGGCAAAACATTCGGAACGATTTGGAACTTGACTTGCAGGAAACC[G>A]TGACCCATCTGTGGTGTTAATACACTCATAGAACTTGCCAGCAAACAAATTTACTCCCAT-3'
Protein context (NP_001352465.1, residues 1348-1368): YECINTTDGS[Arg1358Trp]FPASQVPNRS

ClinVar aggregate classification (germline): Uncertain significance (1 of 4 stars; one submission).

Conditions:
Neuropathy, hereditary sensory and autonomic, type 2A (HSAN2A). Also called: MORVAN DISEASE; NEUROPATHY, CONGENITAL SENSORY; NEUROPATHY, HEREDITARY SENSORY RADICULAR, AUTOSOMAL RECESSIVE; NEUROPATHY, HEREDITARY SENSORY, TYPE IIA; NEUROPATHY, PROGRESSIVE SENSORY, OF CHILDREN; ACROOSTEOLYSIS, GIACCAI TYPE. Identifiers: Orphanet 970, MedGen C2752089, MONDO:0024309, OMIM 201300.
Generalized epilepsy with febrile seizures plus, type 7 (GEFSP7). Also called: GEFS+, TYPE 7. Identifiers: Orphanet 36387, MedGen C2751778, MONDO:0013470, OMIM 613863.

Allele frequency attached by ClinVar (database versions not stated): TOPMed below 0.00001.
gnomAD v4.1: 1 of 1,613,898 alleles (0.000062%); highest among the groups gnomAD compares: Admixed American, 0.0017%; no homozygotes.

Submission:

Labcorp Genetics (formerly Invitae), Labcorp
Classification: Uncertain significance for Neuropathy, hereditary sensory and autonomic, type 2A; Generalized epilepsy with febrile seizures plus, type 7. Last evaluated: 2026-01-13. Review status: criteria provided, single submitter. Criteria: Invitae Variant Classification Sherloc (09022015). Collection method: clinical testing. Allele origin: germline.
Comment: This sequence change replaces arginine, which is basic and polar, with tryptophan, which is neutral and slightly polar, at codon 1347 of the SCN9A protein (p.Arg1347Trp). This variant is present in population databases (no rsID available, gnomAD 0.003%). This variant has not been reported in the literature in individuals affected with SCN9A-related conditions. ClinVar contains an entry for this variant (Variation ID: 2934575). Invitae Evidence Modeling of protein sequence and biophysical properties (such as structural, functional, and spatial information, amino acid conservation, physicochemical variation, residue mobility, and thermodynamic stability) indicates that this missense variant is not expected to disrupt SCN9A protein function with a negative predictive value of 95%. In summary, the available evidence is currently insufficient to determine the role of this variant in disease. Therefore, it has been classified as a Variant of Uncertain Significance.